The following is an entry in ClinVar:

ClinVar aggregate classification (germline): Uncertain significance (1 of 4 stars; one submission).

Allele frequency attached by ClinVar (database versions not stated): TOPMed 0.00005; ESP Exome Variant Server 0.00008.

Submission:

Labcorp Genetics (formerly Invitae), Labcorp
Classification: Uncertain significance. Last evaluated: 2022-08-16. Review status: criteria provided, single submitter. Criteria: Invitae Variant Classification Sherloc (09022015). Collection method: clinical testing. Allele origin: germline.
Comment: This sequence change affects codon 326 of the PCYT1A mRNA. It is a 'silent' change, meaning that it does not change the encoded amino acid sequence of the PCYT1A protein. This variant is present in population databases (rs147831015, gnomAD 0.01%). This variant has not been reported in the literature in individuals affected with PCYT1A-related conditions. ClinVar contains an entry for this variant (Variation ID: 965042). Algorithms developed to predict the effect of sequence changes on RNA splicing suggest that this variant may create or strengthen a splice site. In summary, the available evidence is currently insufficient to determine the role of this variant in disease. Therefore, it has been classified as a Variant of Uncertain Significance.

NM_001312673.2(PCYT1A):c.978C>T (p.Arg326=)

Gene: PCYT1A (phosphate cytidylyltransferase 1A, choline; minus strand). Cytogenetic location: 3q29.
Variant type: single nucleotide variant.
Coding change: c.978C>T on transcript NM_001312673.2 (MANE Select); coding-DNA position 978, C replaced by T.
Protein change: p.Arg326=; no amino-acid change (arginine 326 retained).
Molecular consequence: synonymous variant.
Genome position (GRCh38, 1-based): chr3:196,238,814, G>A on the plus strand (C>T on the coding strand, the complement: PCYT1A is on the minus strand). VCF-style: chr3-196238814-G-A. GRCh37 (hg19) VCF-style: chr3-195965685-G-A.
Other names: c.978C>T, p.Arg326= (NM_005017.4).
Identifiers: ClinVar variation 965042 (VCV000965042.4), dbSNP rs147831015, ClinGen allele CA2779371.